The following is an entry in ClinVar:

ClinVar aggregate classification (germline): Uncertain significance (1 of 4 stars; one submission).

Conditions:
Neuronal ceroid lipofuscinosis. Also called: Neuronal Ceroid Lipofuscinoses. Identifiers: Orphanet 216, Orphanet 79263, MedGen C0027877, MONDO:0016295. Disease mechanism: loss of function.

gnomAD v4.1: 2 of 1,613,952 alleles (0.00012%); highest among the groups gnomAD compares: Admixed American, 0.0017%; no homozygotes.

Submission:

Labcorp Genetics (formerly Invitae), Labcorp
Classification: Uncertain significance for Neuronal ceroid lipofuscinosis. Last evaluated: 2021-08-31. Review status: criteria provided, single submitter. Criteria: Invitae Variant Classification Sherloc (09022015). Collection method: clinical testing. Allele origin: germline.
Comment: This sequence change replaces arginine with histidine at codon 10 of the CLN3 protein (p.Arg10His). The arginine residue is weakly conserved and there is a small physicochemical difference between arginine and histidine. This variant is not present in population databases (ExAC no frequency). This variant has not been reported in the literature in individuals affected with CLN3-related conditions. Algorithms developed to predict the effect of missense changes on protein structure and function output the following: SIFT: "Tolerated"; PolyPhen-2: "Benign"; Align-GVGD: "Class C0". The histidine amino acid residue is found in multiple mammalian species, which suggests that this missense change does not adversely affect protein function. In summary, the available evidence is currently insufficient to determine the role of this variant in disease. Therefore, it has been classified as a Variant of Uncertain Significance.

NM_001042432.2(CLN3):c.29G>A (p.Arg10His)

Gene: CLN3 (CLN3 lysosomal/endosomal transmembrane protein, battenin; minus strand). Cytogenetic location: 16p12.1.
Variant type: single nucleotide variant.
Coding change: c.29G>A on transcript NM_001042432.2 (MANE Select); coding-DNA position 29, G replaced by A.
Protein change: p.Arg10His; replaces arginine 10 with histidine.
Molecular consequence: missense variant. On other transcripts: 5 prime UTR variant (3).
Genome position (GRCh38, 1-based): chr16:28,491,731, C>T on the plus strand (G>A on the coding strand, the complement: CLN3 is on the minus strand). VCF-style: chr16-28491731-C-T. GRCh37 (hg19) VCF-style: chr16-28503052-C-T.
Other names: c.29G>A, p.Arg10His (NM_000086.2, NM_001286104.2); c.-113G>A (NM_001286105.2); c.-55G>A (NM_001286109.2, NM_001286110.2); short protein forms R10H.
Identifiers: ClinVar variation 1906113 (VCV001906113.2), dbSNP rs2046318806, ClinGen allele CA395347535.